The following is an entry in ClinVar:

ClinVar aggregate classification (germline): Uncertain significance (1 of 4 stars; one submission).

Conditions:
Epidermolysis bullosa simplex 3, localized or generalized intermediate, with BP230 deficiency (EBS3). Also called: Epidermolysis bullosa simplex, autosomal recessive 2; Epidermolysis bullosa simplex due to BP230 deficiency. Identifiers: Orphanet 412181, MedGen C3809470, MONDO:0014180, OMIM 615425.
Hereditary sensory and autonomic neuropathy type 6. Also called: HSAN VI; Neuropathy, hereditary sensory and autonomic, type VI. Identifiers: Orphanet 314381, MedGen C3539003, MONDO:0013839, OMIM 614653.

Submission:

Labcorp Genetics (formerly Invitae), Labcorp
Classification: Uncertain significance for Epidermolysis bullosa simplex 3, localized or generalized intermediate, with BP230 deficiency; Hereditary sensory and autonomic neuropathy type 6. Last evaluated: 2025-06-04. Review status: criteria provided, single submitter. Criteria: Invitae Variant Classification Sherloc (09022015). Collection method: clinical testing. Allele origin: germline.
Comment: This sequence change replaces serine, which is neutral and polar, with asparagine, which is neutral and polar, at codon 697 of the DST protein (p.Ser697Asn). This variant is not present in population databases (gnomAD no frequency). This variant has not been reported in the literature in individuals affected with DST-related conditions. An algorithm developed to predict the effect of missense changes on protein structure and function (PolyPhen-2) suggests that this variant is likely to be disruptive. In summary, the available evidence is currently insufficient to determine the role of this variant in disease. Therefore, it has been classified as a Variant of Uncertain Significance.

NM_001374736.1(DST):c.3701G>A (p.Ser1234Asn)

Gene: DST (dystonin; minus strand). Cytogenetic location: 6p12.1.
Variant type: single nucleotide variant.
Coding change: c.3701G>A on transcript NM_001374736.1 (MANE Select); coding-DNA position 3701, G replaced by A.
Protein change: p.Ser1234Asn; replaces serine 1234 with asparagine.
Molecular consequence: missense variant.
Genome position (GRCh38, 1-based): chr6:56,632,958, C>T on the plus strand (G>A on the coding strand, the complement: DST is on the minus strand). VCF-style: chr6-56632958-C-T. GRCh37 (hg19) VCF-style: chr6-56497756-C-T.
Other names: c.3602G>A, p.Ser1201Asn (NM_001144769.5); c.3188G>A, p.Ser1063Asn (NM_001144770.2); c.3701G>A, p.Ser1234Asn (NM_001374722.1); c.3068G>A, p.Ser1023Asn (NM_001374729.1, NM_001374730.1, NM_001386100.1 and 1 more transcripts); c.3728G>A, p.Ser1243Asn (NM_001374734.1); c.2090G>A, p.Ser697Asn (NM_001723.7, NM_015548.5); short protein forms S1234N, S1023N, S1201N, S1063N, S1243N, S697N.
Identifiers: ClinVar variation 4792064 (VCV004792064.1).